The following is an entry in ClinVar:

NM_021116.4(ADCY1):c.2971G>A (p.Ala991Thr)

Gene: ADCY1 (adenylate cyclase 1; plus strand). Cytogenetic location: 7p12.3.
Variant type: single nucleotide variant.
Coding change: c.2971G>A on transcript NM_021116.4 (MANE Select); coding-DNA position 2971, G replaced by A.
Protein change: p.Ala991Thr; replaces alanine 991 with threonine.
Molecular consequence: missense variant.
Genome position (GRCh38, 1-based): chr7:45,710,566, G>A. VCF-style: chr7-45710566-G-A. GRCh37 (hg19) VCF-style: chr7-45750165-G-A.
Other names: short protein forms A991T.
Identifiers: ClinVar variation 3614192 (VCV003614192.2).
Genomic context (GRCh38, chr7:45,710,566, plus strand): 5'-TCATGCGCTGGCTGTTTTCTAGGCATCAATGTTGGCCCTGTGGTGGCTGGAGTGATTGGC[G>A]CTCGCAGGCCCCAGTACGACATCTGGGGAAACACAGTCAACGTGGCCAGTCGGATGGATA-3'
Protein context (NP_066939.1, residues 981-1001): VGPVVAGVIG[Ala991Thr]RRPQYDIWGN

ClinVar aggregate classification (germline): Uncertain significance (1 of 4 stars; one submission).

gnomAD v4.1: 4 of 1,614,004 alleles (0.00025%); highest among the groups gnomAD compares: Non-Finnish European, 0.00025%; no homozygotes.

Submission:

Labcorp Genetics (formerly Invitae), Labcorp
Classification: Uncertain significance. Last evaluated: 2025-01-23. Review status: criteria provided, single submitter. Criteria: Invitae Variant Classification Sherloc (09022015). Collection method: clinical testing. Allele origin: germline.
Comment: This sequence change replaces alanine, which is neutral and non-polar, with threonine, which is neutral and polar, at codon 991 of the ADCY1 protein (p.Ala991Thr). This variant is not present in population databases (gnomAD no frequency). This variant has not been reported in the literature in individuals affected with ADCY1-related conditions. Invitae Evidence Modeling of protein sequence and biophysical properties (such as structural, functional, and spatial information, amino acid conservation, physicochemical variation, residue mobility, and thermodynamic stability) has been performed for this missense variant. However, the output from this modeling did not meet the statistical confidence thresholds required to predict the impact of this variant on ADCY1 protein function. In summary, the available evidence is currently insufficient to determine the role of this variant in disease. Therefore, it has been classified as a Variant of Uncertain Significance.